The following is an entry in ClinVar:

ClinVar aggregate classification (germline): Uncertain significance. Review status: criteria provided, multiple submitters, no conflicts (2 of 4 stars). 10 submissions from 9 submitters: Uncertain significance (10). Last evaluated 2026-01-20.

Conditions:
MYBPC3-related disorder. Also called: MYBPC3-related disorders; MYBPC3-related condition; MYBPC3-related disease.
Cardiovascular phenotype. Identifiers: MedGen CN230736.
Left ventricular noncompaction 10 (LVNC10). Identifiers: Orphanet 154, Orphanet 54260, MedGen C3715165, MONDO:0014163, OMIM 615396.
Cardiomyopathy (CMYO). Also called: Cardiomyopathies. Identifiers: Orphanet 167848, MedGen C0878544, MONDO:0004994, HP:0001638. Inheritance: Various modes of inheritance.
Hypertrophic cardiomyopathy 4. Also called: Familial hypertrophic cardiomyopathy 4. Identifiers: MedGen C1861862, MONDO:0007268, OMIM 115197.
Hypertrophic cardiomyopathy. Also called: HYPERTROPHIC MYOCARDIOPATHY. Identifiers: Orphanet 217569, MedGen C0007194, MeSH D002312, MONDO:0005045, HP:0001639.

Allele frequency attached by ClinVar (database versions not stated): gnomAD exomes 0.00003 and 0.00004; ExAC 0.00004; TOPMed 0.00009; gnomAD 0.00010 and 0.00011; ESP Exome Variant Server 0.00024.
gnomAD v4.1: 69 of 1,612,080 alleles (0.0043%); highest among the groups gnomAD compares: Middle Eastern, 0.016%; no homozygotes.

Submissions (10):

Labcorp Genetics (formerly Invitae), Labcorp
Classification: Uncertain significance for Hypertrophic cardiomyopathy. Last evaluated: 2026-01-20. Review status: criteria provided, single submitter. Criteria: Invitae Variant Classification Sherloc (09022015). Collection method: clinical testing. Allele origin: germline.
Comment: This sequence change replaces alanine, which is neutral and non-polar, with valine, which is neutral and non-polar, at codon 482 of the MYBPC3 protein (p.Ala482Val). This variant is present in population databases (rs370285346, gnomAD 0.02%). This missense change has been observed in individual(s) with hypertrophic cardiomyopathy (PMID: 25351510, 29875424, 36788754). ClinVar contains an entry for this variant (Variation ID: 164117). An algorithm developed to predict the effect of missense changes on protein structure and function (PolyPhen-2) suggests that this variant is likely to be disruptive. In summary, the available evidence is currently insufficient to determine the role of this variant in disease. Therefore, it has been classified as a Variant of Uncertain Significance.

PreventionGenetics, part of Exact Sciences
Classification: Uncertain significance for MYBPC3-related condition. Last evaluated: 2025-09-24. Review status: criteria provided, single submitter. Criteria: ACMG Guidelines, 2015. Collection method: clinical testing. Allele origin: germline.
Comment: The MYBPC3 c.1445C>T variant is predicted to result in the amino acid substitution p.Ala482Val. This variant has been reported as a variant of uncertain significance in individuals with hypertrophic cardiomyopathy (Table S1, Lopes et al. 2015. PubMed ID: 25351510; Table S3, Mazzarotto et al. 2019. PubMed ID: 29875424; Table S3, Lenarduzzi et al. 2023. PubMed ID: 36788754). This variant is reported in 0.021% of alleles in individuals of African descent in gnomAD and is interpreted as uncertain significance in ClinVar (Variation ID: 164117). At this time, the clinical significance of this variant is uncertain due to the absence of conclusive functional and genetic evidence.

Color Diagnostics, LLC DBA Color Health
Classification: Uncertain significance for Cardiomyopathy. Last evaluated: 2025-07-29. Review status: criteria provided, single submitter. Criteria: ACMG Guidelines, 2015. Collection method: clinical testing. Allele origin: germline.
Comment: This missense variant replaces alanine with valine at codon 482 of the MYBPC3 protein. Computational prediction suggests that this variant may have a deleterious impact on protein structure and function. To our knowledge, functional studies have not been reported for this variant. This variant has been reported in individuals affected with hypertrophic cardiomyopathy (PMID: 25351510, 29875424). This variant has been identified in 10/278138 chromosomes in the general population by the Genome Aggregation Database (gnomAD). The available evidence is insufficient to determine the role of this variant in disease conclusively. Therefore, this variant is classified as a Variant of Uncertain Significance.

Molecular Diagnostic Laboratory for Inherited Cardiovascular Disease, Montreal Heart Institute
Classification: Uncertain significance for Cardiovascular phenotype. Last evaluated: 2025-04-09. Review status: criteria provided, single submitter. Criteria: ACMG Guidelines, 2015. Collection method: clinical testing. Allele origin: germline. Affected: yes.

Ambry Genetics
Classification: Uncertain significance for Cardiovascular phenotype. Last evaluated: 2024-08-27. Review status: criteria provided, single submitter. Criteria: Ambry Variant Classification Scheme 2023. Collection method: clinical testing. Allele origin: germline.
Comment: The p.A482V variant (also known as c.1445C>T), located in coding exon 16 of the MYBPC3 gene, results from a C to T substitution at nucleotide position 1445. The alanine at codon 482 is replaced by valine, an amino acid with similar properties. This alteration has been reported in hypertrophic cardiomyopathy (HCM) cohorts; however, clinical details were limited (Lopes LR et al. Heart, 2015 Feb;101:294-301; Mazzarotto F et al. Genet Med, 2019 02;21:284-292). This variant has been reported in the Jackson Heart Study cohort; however, clinical details were limited (Bick AG et al. Am J Hum Genet, 2012 Sep;91:513-9). This amino acid position is highly conserved in available vertebrate species. In addition, this alteration is predicted to be deleterious by in silico analysis. Since supporting evidence is limited at this time, the clinical significance of this alteration remains unclear.

GeneDx
Classification: Uncertain significance. Last evaluated: 2024-07-30. Review status: criteria provided, single submitter. Criteria: GeneDx Variant Classification Process June 2021. Collection method: clinical testing. Allele origin: germline. Affected: yes.
Comment: Has been reported in individuals with HCM (PMID: 25351510, 29875424, 36788754); In silico analysis supports that this missense variant has a deleterious effect on protein structure/function; This variant is associated with the following publications: (PMID: 29875424, 25351510, 36788754)

All of Us Research Program, National Institutes of Health
Classification: Uncertain significance for Hypertrophic cardiomyopathy. Last evaluated: 2023-12-01. Review status: criteria provided, single submitter. Criteria: ACMG Guidelines, 2015. Collection method: clinical testing. Allele origin: germline. Inheritance: Autosomal dominant inheritance. Observed: 7 variant alleles, 7 heterozygotes.
Comment: This missense variant replaces alanine with valine at codon 482 of the MYBPC3 protein. Computational prediction suggests that this variant may have a deleterious impact on protein structure and function (internally defined REVEL score threshold >= 0.7, PMID: 27666373). To our knowledge, functional studies have not been reported for this variant. This variant has been reported in individuals affected with hypertrophic cardiomyopathy (PMID: 25351510, 29875424). This variant has been identified in 10/278138 chromosomes in the general population by the Genome Aggregation Database (gnomAD). The available evidence is insufficient to determine the role of this variant in disease conclusively. Therefore, this variant is classified as a Variant of Uncertain Significance.

This study involves interpretation of variants in research participants for the purpose of population health screening. Participant phenotype was not available at the time of variant classification. Additional details can be found in publication PMID: 35346344, PMCID: PMC8962531

Phosphorus, Inc.
Classification: Uncertain significance for Left ventricular noncompaction 10. Last evaluated: 2017-08-01. Review status: criteria provided, single submitter. Criteria: ACMG Guidelines, 2015. Collection method: clinical testing. Allele origin: germline. Observed: 2 variant alleles.

Phosphorus, Inc.
Classification: Uncertain significance for Hypertrophic cardiomyopathy 4. Last evaluated: 2017-08-01. Review status: criteria provided, single submitter. Criteria: ACMG Guidelines, 2015. Collection method: clinical testing. Allele origin: germline. Observed: 1 variant allele.

Laboratory for Molecular Medicine, Mass General Brigham Personalized Medicine
Classification: Uncertain significance. Last evaluated: 2014-07-24. Review status: criteria provided, single submitter. Criteria: LMM Criteria. Collection method: clinical testing. Allele origin: germline. Observed: 1 variant allele.
Comment: The Ala482Val variant in MYBPC3 has not been previously reported in individuals with cardiomyopathy, but has been identified in 1/8366 European American chromos omes and 2/4082 African American chromosomes by the NHLBI Exome Sequencing Proje ct. Computational prediction tools and conse rvation analysis suggest that this variant may impact the protein, though this i nformation is not predictive enough to determine pathogenicity. In summary, the clinical significance of the Ala482Val variant is uncertain.

Literature cited by the submitters: PubMed 25351510 (cited by 4 submitters); PubMed 29875424 (cited by 4 submitters); PubMed 36788754 (cited by Labcorp Genetics (formerly Invitae), Labcorp); PubMed 22958901 (cited by Ambry Genetics).

NM_000256.3(MYBPC3):c.1445C>T (p.Ala482Val)

Gene: MYBPC3 (myosin binding protein C3; minus strand). Cytogenetic location: 11p11.2.
Variant type: single nucleotide variant.
Coding change: c.1445C>T on transcript NM_000256.3 (MANE Select); coding-DNA position 1445, C replaced by T.
Protein change: p.Ala482Val; replaces alanine 482 with valine.
Molecular consequence: missense variant.
Genome position (GRCh38, 1-based): chr11:47,342,842, G>A on the plus strand (C>T on the coding strand, the complement: MYBPC3 is on the minus strand). VCF-style: chr11-47342842-G-A. GRCh37 (hg19) VCF-style: chr11-47364393-G-A.
Other names: p.A482V:GCG>GTG; short protein forms A482V.
Identifiers: ClinVar variation 164117 (VCV000164117.27), dbSNP rs370285346, ClinGen allele CA010308.
Genomic context (GRCh38, chr11:47,342,842, plus strand): 5'-TCTGGGCAGATGCCCCCAACACCCATGCCCCGTGCTTCTGGAACTCACCATTTGACTTGC[G>A]CCCCCTCCTCCGATACTTCACACTCAAACTCCACCCGCTGCCCCACCATCACCAGCTGGT-3'
Protein context (NP_000247.2, residues 472-492): EFECEVSEEG[Ala482Val]QVKWLKDGVE